The following is an entry in ClinVar:

ClinVar aggregate classification (germline): Uncertain significance (1 of 4 stars; one submission).

Conditions:
Inborn genetic diseases. Identifiers: MedGen C0950123, MeSH D030342.

Submission:

Ambry Genetics
Classification: Uncertain significance for Inborn genetic diseases. Last evaluated: 2022-08-22. Review status: criteria provided, single submitter. Criteria: Ambry Variant Classification Scheme 2023. Collection method: clinical testing. Allele origin: germline.
Comment: The p.A1007T variant (also known as c.3019G>A), located in coding exon 23 of the BUB1B gene, results from a G to A substitution at nucleotide position 3019. The alanine at codon 1007 is replaced by threonine, an amino acid with similar properties. This amino acid position is conserved. In addition, this alteration is predicted to be tolerated by in silico analysis. Since supporting evidence is limited at this time, the clinical significance of this alteration remains unclear.

NM_001211.6(BUB1B):c.3019G>A (p.Ala1007Thr)

Genes: BUB1B (BUB1 mitotic checkpoint serine/threonine kinase B; plus strand), BUB1B-PAK6 (BUB1B-PAK6 readthrough; plus strand). Cytogenetic location: 15q15.1.
Variant type: single nucleotide variant.
Coding change: c.3019G>A on transcript NM_001211.6 (MANE Select); coding-DNA position 3019, G replaced by A.
Protein change: p.Ala1007Thr; replaces alanine 1007 with threonine.
Molecular consequence: missense variant. On other transcripts: intron variant (2).
Genome position (GRCh38, 1-based): chr15:40,220,625, G>A. VCF-style: chr15-40220625-G-A. GRCh37 (hg19) VCF-style: chr15-40512826-G-A.
Other names: c.-201+2958G>A (NM_001128628.3); c.-118+2958G>A (NM_001128629.3); short protein forms A1007T.
Identifiers: ClinVar variation 1798884 (VCV001798884.2), dbSNP rs2542593877, ClinGen allele CA391689782.